The following is an entry in ClinVar:

ClinVar aggregate classification (germline): Uncertain significance (1 of 4 stars; one submission).

Allele frequency attached by ClinVar (database versions not stated): gnomAD exomes below 0.00001; gnomAD 0.00001; TOPMed 0.00001.
gnomAD v4.1: 5 of 1,613,962 alleles (0.00031%); highest among the groups gnomAD compares: Admixed American, 0.0033%; no homozygotes.

Submission:

GeneDx
Classification: Uncertain significance. Last evaluated: 2021-04-14. Review status: criteria provided, single submitter. Criteria: GeneDx Variant Classification Process June 2021. Collection method: clinical testing. Allele origin: germline. Affected: yes.
Comment: Not observed in large population cohorts (Lek et al., 2016); In silico analysis supports that this missense variant does not alter protein structure/function; Has not been previously published as pathogenic or benign to our knowledge

NM_000168.6(GLI3):c.4450G>A (p.Ala1484Thr)

Gene: GLI3 (GLI family zinc finger 3; minus strand). Cytogenetic location: 7p14.1.
Variant type: single nucleotide variant.
Coding change: c.4450G>A on transcript NM_000168.6 (MANE Select); coding-DNA position 4450, G replaced by A.
Protein change: p.Ala1484Thr; replaces alanine 1484 with threonine.
Molecular consequence: missense variant.
Genome position (GRCh38, 1-based): chr7:41,964,623, C>T on the plus strand (G>A on the coding strand, the complement: GLI3 is on the minus strand). VCF-style: chr7-41964623-C-T. GRCh37 (hg19) VCF-style: chr7-42004221-C-T.
Other names: short protein forms A1484T.
Identifiers: ClinVar variation 1314702 (VCV001314702.2), dbSNP rs1423837015, ClinGen allele CA367315006.
Genomic context (GRCh38, chr7:41,964,623, plus strand): 5'-TCTGTACCCCTTCCAGGTCATGGCTGTCGAGGCTGTCCACTGTGCTTGTCACCTGATTAG[C>T]ACCTGGGGAAAGTAACTCAGAGTTTTTGGCGCTGGTCCCCTGTAGCAGGCAGCTGGCGTC-3'
Protein context (NP_000159.3, residues 1474-1494): AKNSELLSPG[Ala1484Thr]NQVTSTVDSL